The following is an entry in ClinVar:

NM_006059.4(LAMC3):c.4348C>T (p.Arg1450Cys)

Gene: LAMC3 (laminin subunit gamma 3; plus strand). Cytogenetic location: 9q34.12.
Variant type: single nucleotide variant.
Coding change: c.4348C>T on transcript NM_006059.4 (MANE Select); coding-DNA position 4348, C replaced by T.
Protein change: p.Arg1450Cys; replaces arginine 1450 with cysteine.
Molecular consequence: missense variant.
Genome position (GRCh38, 1-based): chr9:131,087,593, C>T. VCF-style: chr9-131087593-C-T. GRCh37 (hg19) VCF-style: chr9-133962980-C-T.
Other names: short protein forms R1450C.
Identifiers: ClinVar variation 432250 (VCV000432250.16), dbSNP rs201785610, ClinGen allele CA5288134.

ClinVar aggregate classification (germline): Conflicting classifications of pathogenicity. Review status: criteria provided, conflicting classifications (1 of 4 stars). 5 submissions from 5 submitters: Uncertain significance (2); Likely benign (2). 1 of the submissions does not count toward it. Last evaluated 2026-01-19.

Conditions:
Inborn genetic diseases. Identifiers: MedGen C0950123, MeSH D030342.
LAMC3-related disorder. Also called: LAMC3-related condition.

Allele frequency attached by ClinVar (database versions not stated): gnomAD exomes 0.00071 and 0.00028; 1000 Genomes Project 30x 0.00078; ExAC 0.00081; gnomAD 0.00003 and 0.00013; TOPMed 0.00006; ESP Exome Variant Server 0.00008; 1000 Genomes Project 0.00060.
gnomAD v4.1: 430 of 1,613,998 alleles (0.027%); highest among the groups gnomAD compares: South Asian, 0.38%; 10 homozygotes.

Submissions (5):

Labcorp Genetics (formerly Invitae), Labcorp
Classification: Likely benign. Last evaluated: 2026-01-19. Review status: criteria provided, single submitter. Criteria: Invitae Variant Classification Sherloc (09022015). Collection method: clinical testing. Allele origin: germline.

Ambry Genetics
Classification: Likely benign for Inborn genetic diseases. Last evaluated: 2022-11-22. Review status: criteria provided, single submitter. Criteria: Ambry Variant Classification Scheme 2023. Collection method: clinical testing. Allele origin: germline.

GeneDx
Classification: Uncertain significance. Last evaluated: 2017-04-18. Review status: criteria provided, single submitter. Criteria: GeneDx Variant Classification (06012015). Collection method: clinical testing. Allele origin: germline. Affected: yes.
Comment: A variant of uncertain significance has been identified in the LAMC3 gene. The R1450C variant has not been published as a pathogenic variant, nor has it been reported as a benign variant to our knowledge. The R1450C variant is observed in 74/16,508 (0.4%) alleles from individuals of South Asian background including multiple unrelated homozygous individuals in large population cohorts, which is greater than expected for this disorder (Lek et al., 2016; 1000 Genomes Consortium et al., 2015; Exome Variant Server). The R1450C variant is a non-conservative amino acid substitution, which is likely to impact secondary protein structure as these residues differ in polarity, charge, size and/or other properties. This substitution occurs at a position where amino acids with similar properties to Arginine are tolerated across species. In silico analysis is inconsistent in its predictions as to whether or not the variant is damaging to the protein structure/function. Therefore, based on the currently available information, it is unclear whether this variant is a pathogenic variant or a rare benign variant.

Center for Pediatric Genomic Medicine, Children's Mercy Hospital and Clinics
Classification: Uncertain significance. Last evaluated: 2017-03-30. Review status: criteria provided, single submitter. Criteria: ACMG Guidelines, 2015. Collection method: clinical testing. Allele origin: germline.

PreventionGenetics, part of Exact Sciences
Classification: Likely benign for LAMC3-related condition. Last evaluated: 2023-12-29. Review status: no assertion criteria provided. Collection method: clinical testing. Allele origin: germline. Not counted in ClinVar's aggregate classification.
Comment: This variant is classified as likely benign based on ACMG/AMP sequence variant interpretation guidelines (Richards et al. 2015 PMID: 25741868, with internal and published modifications).